The following is an entry in ClinVar:

ClinVar aggregate classification (germline): Uncertain significance (1 of 4 stars; one submission).

gnomAD v4.1: 1 of 1,614,106 alleles (0.000062%); highest among the groups gnomAD compares: Non-Finnish European, 0.000085%; no homozygotes.

Submission:

GeneDx
Classification: Uncertain significance. Last evaluated: 2024-10-02. Review status: criteria provided, single submitter. Criteria: GeneDx Variant Classification Process June 2021. Collection method: clinical testing. Allele origin: germline. Affected: yes.
Comment: Not observed at significant frequency in large population cohorts (gnomAD); In silico analysis supports that this missense variant has a deleterious effect on protein structure/function; Has not been previously published as pathogenic or benign to our knowledge

NM_001904.4(CTNNB1):c.1724G>C (p.Gly575Ala)

Gene: CTNNB1 (catenin beta 1; plus strand). Cytogenetic location: 3p22.1.
Variant type: single nucleotide variant.
Coding change: c.1724G>C on transcript NM_001904.4 (MANE Select); coding-DNA position 1724, G replaced by C.
Protein change: p.Gly575Ala; replaces glycine 575 with alanine.
Molecular consequence: missense variant.
Genome position (GRCh38, 1-based): chr3:41,235,764, G>C. VCF-style: chr3-41235764-G-C. GRCh37 (hg19) VCF-style: chr3-41277255-G-C.
Other names: c.1724G>C, p.Gly575Ala (NM_001098209.2, NM_001098210.2); c.1703G>C, p.Gly568Ala (NM_001330729.2); short protein forms G568A, G575A.
Identifiers: ClinVar variation 3776392 (VCV003776392.1).
Genomic context (GRCh38, chr3:41,235,764, plus strand): 5'-AACCATGTTTCTTTTGGCAGGAGGGGGTCCGCATGGAAGAAATAGTTGAAGGTTGTACCG[G>C]AGCCCTTCACATCCTAGCTCGGGATGTTCACAACCGAATTGTTATCAGAGGACTAAATAC-3'
Protein context (NP_001895.1, residues 565-585): RMEEIVEGCT[Gly575Ala]ALHILARDVH